The following is an entry in ClinVar:

NM_000059.4(BRCA2):c.10024G>T (p.Glu3342Ter)

Gene: BRCA2 (BRCA2 DNA repair associated; plus strand). Cytogenetic location: 13q13.1.
Variant type: single nucleotide variant.
Coding change: c.10024G>T on transcript NM_000059.4 (MANE Select); coding-DNA position 10024, G replaced by T.
Protein change: p.Glu3342Ter; replaces glutamic acid 3342 with a stop codon.
Molecular consequence: nonsense.
Genome position (GRCh38, 1-based): chr13:32,398,537, G>T. VCF-style: chr13-32398537-G-T. GRCh37 (hg19) VCF-style: chr13-32972674-G-T.
Other names: p.Glu3342*; short protein forms E3342*.
Identifiers: ClinVar variation 51035 (VCV000051035.23), dbSNP rs28897761, ClinGen allele CA010072.

ClinVar aggregate classification (germline): Conflicting classifications of pathogenicity. Review status: criteria provided, conflicting classifications (1 of 4 stars). 9 submissions from 9 submitters: Uncertain significance (2); Likely benign (5). 2 of the submissions do not count toward it. Last evaluated 2025-12-08.

Conditions:
Hereditary cancer-predisposing syndrome. Also called: Neoplastic Syndromes, Hereditary; Tumor predisposition; Hereditary Cancer Syndrome; Hereditary neoplastic syndrome. Identifiers: Orphanet 140162, MedGen C0027672, MeSH D009386, MONDO:0015356.
Hereditary breast ovarian cancer syndrome. Also called: Hereditary breast and ovarian cancer syndrome; Hereditary breast and ovarian cancer; Hereditary breast and ovarian cancer syndrome (HBOC); Breast and ovarian cancer; Hereditary breast and/or ovarian cancer syndrome; BRCA1- and BRCA2-Associated Hereditary Breast and Ovarian Cancer. Identifiers: Orphanet 145, MedGen C0677776, MeSH D061325, MONDO:0003582. Disease mechanism: loss of function.
Breast-ovarian cancer, familial, susceptibility to, 2 (BROVCA2). Also called: BRCA2 Hereditary Breast and Ovarian Cancer. Identifiers: Orphanet 145, MedGen C2675520, MONDO:0012933, OMIM 612555. Disease mechanism: loss of function.

gnomAD v4.1: 7 of 1,614,040 alleles (0.00043%); highest among the groups gnomAD compares: African/African-American, 0.0013%; no homozygotes.

Submissions (9):

Labcorp Genetics (formerly Invitae), Labcorp
Classification: Likely benign for Hereditary breast ovarian cancer syndrome. Last evaluated: 2025-12-08. Review status: criteria provided, single submitter. Criteria: Invitae Variant Classification Sherloc (09022015). Collection method: clinical testing. Allele origin: germline.

Mayo Clinic Laboratories, Mayo Clinic
Classification: Uncertain significance. Last evaluated: 2025-10-23. Review status: criteria provided, single submitter. Criteria: ACMG Guidelines, 2015. Collection method: clinical testing. Allele origin: germline. Observed: 1 variant allele.
Comment: PM2_supporting

Women's Health and Genetics/Laboratory Corporation of America, LabCorp
Classification: Likely benign. Last evaluated: 2025-06-27. Review status: criteria provided, single submitter. Criteria: LabCorp Variant Classification Summary - May 2015. Collection method: clinical testing. Allele origin: germline.
Comment: Variant summary: BRCA2 c.10024G>T (p.Glu3342X) results in a premature termination codon, predicted to cause a truncation of the encoded protein but is not expected to result in nonsense mediated decay. This variant is in the last exon of BRCA2 located in the extreme C terminus, removing the last 76 amino acids (amino acid total: 3418). Truncations downstream of this position have not been been classified as pathogenic by our laboratory. The variant was absent in 250966 control chromosomes (gnomAD). To our knowledge, no occurrence of c.10024G>T in individuals affected with Hereditary Breast And Ovarian Cancer Syndrome and no experimental evidence demonstrating its impact on protein function have been reported. At-least one publication states that this variant was not identified as part of an affected breast cancer family and, because it occurs downstream of the Lys3326ter polymorphism, it is unlikely to be cancer associated (T. Frank, personal communication, cited in Spain_1999). The following publications have been ascertained in the context of this evaluation (PMID: 10570174, 27322732). ClinVar contains an entry for this variant (Variation ID: 51035). Based on the evidence outlined above, the variant was classified as likely benign.

Color Diagnostics, LLC DBA Color Health
Classification: Likely benign for Hereditary cancer-predisposing syndrome. Last evaluated: 2020-04-16. Review status: criteria provided, single submitter. Criteria: ACMG Guidelines, 2015. Collection method: clinical testing. Allele origin: germline.

Quest Diagnostics Nichols Institute San Juan Capistrano
Classification: Uncertain significance. Last evaluated: 2019-10-08. Review status: criteria provided, single submitter. Criteria: Quest Diagnostics criteria. Collection method: clinical testing. Allele origin: unknown.

Ambry Genetics
Classification: Likely benign for Hereditary cancer-predisposing syndrome. Last evaluated: 2018-09-19. Review status: criteria provided, single submitter. Criteria: Ambry Variant Classification Scheme 2023. Collection method: clinical testing. Allele origin: germline.

GeneDx
Classification: Likely benign. Last evaluated: 2017-08-17. Review status: criteria provided, single submitter. Criteria: GeneDx Variant Classification (06012015). Collection method: clinical testing. Allele origin: germline. Affected: yes.
Comment: This variant is considered likely benign or benign based on one or more of the following criteria: it is a conservative change, it occurs at a poorly conserved position in the protein, it is predicted to be benign by multiple in silico algorithms, and/or has population frequency not consistent with disease.

Counsyl
Classification: Uncertain significance for Breast-ovarian cancer, familial, susceptibility to, 2. Last evaluated: 2016-08-22. Review status: no assertion criteria provided. Collection method: clinical testing. Allele origin: unknown. Not counted in ClinVar's aggregate classification.

Breast Cancer Information Core (BIC) (BRCA2)
Classification: Uncertain significance for Breast-ovarian cancer, familial 2. Last evaluated: 1999-04-12. Review status: no assertion criteria provided. Collection method: clinical testing. Allele origin: germline. Affected: yes. Observed: 2 variant alleles. Not counted in ClinVar's aggregate classification.

Literature cited by the submitters: PubMed 10570174 (cited by Women's Health and Genetics/Laboratory Corporation of America, LabCorp and Quest Diagnostics Nichols Institute San Juan Capistrano); PubMed 27322732 (cited by Women's Health and Genetics/Laboratory Corporation of America, LabCorp).